The following is an entry in ClinVar:

NM_025074.7(FRAS1):c.10540+3A>G

Gene: FRAS1 (Fraser extracellular matrix complex subunit 1; plus strand). Cytogenetic location: 4q21.21.
Variant type: single nucleotide variant.
Coding change: c.10540+3A>G on transcript NM_025074.7 (MANE Select); 3 bases into the intron after coding-DNA position 10540, A replaced by G.
Molecular consequence: intron variant.
Genome position (GRCh38, 1-based): chr4:78,519,484, A>G. VCF-style: chr4-78519484-A-G. GRCh37 (hg19) VCF-style: chr4-79440638-A-G.
Identifiers: ClinVar variation 3062299 (VCV003062299.2), dbSNP rs762051177, ClinGen allele CA2978985.

ClinVar aggregate classification (germline): Conflicting classifications of pathogenicity. Review status: criteria provided, conflicting classifications (1 of 4 stars). 2 submissions from 2 submitters: Likely pathogenic (1); Uncertain significance (1). Last evaluated 2024-10-21.

Conditions:
Fraser syndrome 1 (FRASRS1). Also called: CRYPTOPHTHALMOS WITH OTHER MALFORMATIONS. Identifiers: Orphanet 2052, MedGen C4551480, MONDO:0054737, OMIM 219000.

Allele frequency attached by ClinVar (database versions not stated): TOPMed below 0.00001; ExAC 0.00001; gnomAD 0.00001; gnomAD exomes 0.00001.
gnomAD v4.1: 12 of 1,607,492 alleles (0.00075%); highest among the groups gnomAD compares: Non-Finnish European, 0.00085%; no homozygotes.

Submissions (2):

Blueprint Genetics
Classification: Uncertain significance. Last evaluated: 2024-10-21. Review status: criteria provided, single submitter. Criteria: ACMG Guidelines, 2015. Collection method: clinical testing. Allele origin: germline.

Molecular Genetics Department, Kulakov National Medical Research Center for Obstetrics, Gynecology and Perinatology
Classification: Likely pathogenic for Fraser syndrome 1. Review status: criteria provided, single submitter. Criteria: ACMG Guidelines, 2015. Collection method: clinical testing. Allele origin: maternal. Affected: yes.
Comment: A previously undescribed nucleotide variant c.10540+3A>G in the FRAS1 gene causes aberrant splicing and leads to the formation of a shortened protein (p.Val3464Glufs*14, functional data provided by Research Centre for Medical Genetics, Moscow, Russia). Homozygous and compound heterozygous variants are reported in patients with Fraser syndrome 1, 219000. The variant is present in gnomAD population database at low frequency (3/242438 chromosomes, no homozygotes). In summary, the currently available evidence indicates that the variant is pathogenic, but additional data are needed to prove that conclusively. Therefore, this variant has been classified as likely pathogenic.